The following is an entry in ClinVar:

ClinVar aggregate classification (germline): Uncertain significance (1 of 4 stars; one submission).

Submission:

Labcorp Genetics (formerly Invitae), Labcorp
Classification: Uncertain significance. Last evaluated: 2022-01-17. Review status: criteria provided, single submitter. Criteria: Invitae Variant Classification Sherloc (09022015). Collection method: clinical testing. Allele origin: germline.
Comment: In summary, the available evidence is currently insufficient to determine the role of this variant in disease. Therefore, it has been classified as a Variant of Uncertain Significance. This sequence change replaces serine, which is neutral and polar, with proline, which is neutral and non-polar, at codon 237 of the PROSC protein (p.Ser237Pro). This variant is not present in population databases (gnomAD no frequency). This variant has not been reported in the literature in individuals affected with PROSC-related conditions. Algorithms developed to predict the effect of missense changes on protein structure and function are either unavailable or do not agree on the potential impact of this missense change (SIFT: "Deleterious"; PolyPhen-2: "Probably Damaging"; Align-GVGD: "Class C0").

NM_007198.4(PLPBP):c.709T>C (p.Ser237Pro)

Gene: PLPBP (pyridoxal phosphate binding protein; plus strand). Cytogenetic location: 8p11.23.
Variant type: single nucleotide variant.
Coding change: c.709T>C on transcript NM_007198.4 (MANE Select); coding-DNA position 709, T replaced by C.
Protein change: p.Ser237Pro; replaces serine 237 with proline.
Molecular consequence: missense variant.
Genome position (GRCh38, 1-based): chr8:37,777,985, T>C. VCF-style: chr8-37777985-T-C. GRCh37 (hg19) VCF-style: chr8-37635503-T-C.
Other names: c.739T>C, p.Ser247Pro (NM_001349346.2); c.703T>C, p.Ser235Pro (NM_001349347.2); c.553T>C, p.Ser185Pro (NM_001349348.2); short protein forms S247P, S237P, S185P, S235P.
Identifiers: ClinVar variation 2087145 (VCV002087145.4), dbSNP rs2487398928, ClinGen allele CA370668871.